The following is an entry in ClinVar:

ClinVar aggregate classification (germline): Benign. Review status: criteria provided, multiple submitters, no conflicts (2 of 4 stars). 3 submissions from 3 submitters: Benign (2). 1 of the submissions does not count toward it. Last evaluated 2025-02-10.

Conditions:
USP8-related disorder. Also called: USP8-related condition.
Hereditary spastic paraplegia. Also called: Familial spastic paraparesis. Identifiers: Orphanet 685, MedGen C0037773, MONDO:0019064. Disease mechanism: loss of function.

Allele frequency attached by ClinVar (database versions not stated): gnomAD exomes 0.00046 and 0.00103; ExAC 0.00154; 1000 Genomes Project 0.00359; gnomAD 0.00399 and 0.00426; 1000 Genomes Project 30x 0.00437; ESP Exome Variant Server 0.00447; TOPMed 0.00448.
gnomAD v4.1: 1,301 of 1,611,678 alleles (0.081%); highest among the groups gnomAD compares: African/African-American, 1.5%; 9 homozygotes.

Submissions (3):

Labcorp Genetics (formerly Invitae), Labcorp
Classification: Benign for Hereditary spastic paraplegia. Last evaluated: 2025-02-10. Review status: criteria provided, single submitter. Criteria: Invitae Variant Classification Sherloc (09022015). Collection method: clinical testing. Allele origin: germline.

Breakthrough Genomics
Classification: Benign. Review status: criteria provided, single submitter. Criteria: ACMG Guidelines, 2015. Collection method: not provided. Allele origin: germline. Inheritance: Autosomal recessive inheritance. Affected: yes.

PreventionGenetics, part of Exact Sciences
Classification: Benign for USP8-related condition. Last evaluated: 2019-05-23. Review status: no assertion criteria provided. Collection method: clinical testing. Allele origin: germline. Not counted in ClinVar's aggregate classification.
Comment: This variant is classified as benign based on ACMG/AMP sequence variant interpretation guidelines (Richards et al. 2015 PMID: 25741868, with internal and published modifications).

NM_005154.5(USP8):c.1448G>A (p.Arg483Gln)

Gene: USP8 (ubiquitin specific peptidase 8; plus strand). Cytogenetic location: 15q21.2.
Variant type: single nucleotide variant.
Coding change: c.1448G>A on transcript NM_005154.5 (MANE Select); coding-DNA position 1448, G replaced by A.
Protein change: p.Arg483Gln; replaces arginine 483 with glutamine.
Molecular consequence: missense variant.
Genome position (GRCh38, 1-based): chr15:50,481,710, G>A. VCF-style: chr15-50481710-G-A. GRCh37 (hg19) VCF-style: chr15-50773907-G-A.
Other names: c.1448G>A, p.Arg483Gln (NM_001128610.3); c.1217G>A, p.Arg406Gln (NM_001283049.2); short protein forms R483Q, R406Q.
Identifiers: ClinVar variation 458313 (VCV000458313.16), dbSNP rs115970610, ClinGen allele CA7555720.
Genomic context (GRCh38, chr15:50,481,710, plus strand): 5'-CTCGTATTCATGCAGAAACTGCTCTTCTAATGGAAAAAAACAAACAAGAAAAAGAACTTC[G>A]GGAAAGGCAGCAAGAGGAACAGAAAGAGAAACTGAGGAAGGAAGAACAAGAACAAAAAGC-3'
Protein context (NP_005145.3, residues 473-493): MEKNKQEKEL[Arg483Gln]ERQQEEQKEK